The following is an entry in ClinVar:

ClinVar aggregate classification (germline): Benign. Review status: criteria provided, single submitter (1 of 4 stars). 2 submissions from 2 submitters: Benign (1). 1 of the submissions does not count toward it. Last evaluated 2024-10-30.

Conditions:
GREB1L-related disorder. Also called: GREB1L-related condition.

Allele frequency attached by ClinVar (database versions not stated): gnomAD exomes 0.00001; TOPMed 0.00005; gnomAD 0.00006; 1000 Genomes Project 30x 0.00016; 1000 Genomes Project 0.00020.
gnomAD v4.1: 27 of 1,550,630 alleles (0.0017%); highest among the groups gnomAD compares: East Asian, 0.061%; no homozygotes.

Submissions (2):

Labcorp Genetics (formerly Invitae), Labcorp
Classification: Benign. Last evaluated: 2024-10-30. Review status: criteria provided, single submitter. Criteria: Invitae Variant Classification Sherloc (09022015). Collection method: clinical testing. Allele origin: germline.

PreventionGenetics, part of Exact Sciences
Classification: Likely benign for GREB1L-related condition. Last evaluated: 2023-12-15. Review status: no assertion criteria provided. Collection method: clinical testing. Allele origin: germline. Not counted in ClinVar's aggregate classification.
Comment: This variant is classified as likely benign based on ACMG/AMP sequence variant interpretation guidelines (Richards et al. 2015 PMID: 25741868, with internal and published modifications).

NM_001142966.3(GREB1L):c.2690+9T>C

Gene: GREB1L (GREB1 like retinoic acid receptor coactivator; plus strand). Cytogenetic location: 18q11.1.
Variant type: single nucleotide variant.
Coding change: c.2690+9T>C on transcript NM_001142966.3 (MANE Select); 9 bases into the intron after coding-DNA position 2690, T replaced by C.
Molecular consequence: intron variant.
Genome position (GRCh38, 1-based): chr18:21,485,762, T>C. VCF-style: chr18-21485762-T-C. GRCh37 (hg19) VCF-style: chr18-19065723-T-C.
Other names: c.2819+9T>C (NM_001410867.1); c.2363+9T>C (NM_001410868.1).
Identifiers: ClinVar variation 3041016 (VCV003041016.4), dbSNP rs546250107, ClinGen allele CA296939994.